The following is an entry in ClinVar:

ClinVar aggregate classification (germline): Uncertain significance. Review status: criteria provided, multiple submitters, no conflicts (2 of 4 stars). 2 submissions from 2 submitters: Uncertain significance (2). Last evaluated 2026-05-05.

gnomAD v4.1: 31 of 1,611,010 alleles (0.0019%); highest among the groups gnomAD compares: Non-Finnish European, 0.0024%; no homozygotes.

Submissions (2):

Women's Health and Genetics/Laboratory Corporation of America, LabCorp
Classification: Uncertain significance. Last evaluated: 2026-05-05. Review status: criteria provided, single submitter. Criteria: LabCorp Variant Classification Summary - May 2015. Collection method: clinical testing. Allele origin: germline.
Comment: Variant summary: ASXL1 c.1466G>A (p.Arg489Gln) results in a conservative amino acid change in the encoded protein sequence. Algorithms developed to predict the effect of missense changes on protein structure and function all suggest that this variant is likely to be tolerated. The variant allele was found at a frequency of 1.6e-05 in 250968 control chromosomes. The available data on variant occurrences in the general population are insufficient to allow any conclusion about variant significance. To our knowledge, no occurrence of c.1466G>A in individuals affected with ASXL1-related conditions and no experimental evidence demonstrating its impact on protein function have been reported. ClinVar contains an entry for this variant (Variation ID: 3622747). Based on the evidence outlined above, the variant was classified as uncertain significance.

Labcorp Genetics (formerly Invitae), Labcorp
Classification: Uncertain significance. Last evaluated: 2024-12-12. Review status: criteria provided, single submitter. Criteria: Invitae Variant Classification Sherloc (09022015). Collection method: clinical testing. Allele origin: germline.
Comment: This sequence change replaces arginine, which is basic and polar, with glutamine, which is neutral and polar, at codon 489 of the ASXL1 protein (p.Arg489Gln). This variant is present in population databases (rs780602186, gnomAD 0.003%). This variant has not been reported in the literature in individuals affected with ASXL1-related conditions. An algorithm developed to predict the effect of missense changes on protein structure and function outputs the following: PolyPhen-2: "Benign". The glutamine amino acid residue is found in multiple mammalian species, which suggests that this missense change does not adversely affect protein function. In summary, the available evidence is currently insufficient to determine the role of this variant in disease. Therefore, it has been classified as a Variant of Uncertain Significance.

Literature cited by the submitters: PubMed 22489043 (cited by Women's Health and Genetics/Laboratory Corporation of America, LabCorp); PubMed 24442206 (cited by Women's Health and Genetics/Laboratory Corporation of America, LabCorp); PubMed 24458439 (cited by Women's Health and Genetics/Laboratory Corporation of America, LabCorp); PubMed 25652455 (cited by Women's Health and Genetics/Laboratory Corporation of America, LabCorp); PubMed 24695057 (cited by Women's Health and Genetics/Laboratory Corporation of America, LabCorp); PubMed 23018865 (cited by Women's Health and Genetics/Laboratory Corporation of America, LabCorp); PubMed 21881046 (cited by Women's Health and Genetics/Laboratory Corporation of America, LabCorp); PubMed 23619563 (cited by Women's Health and Genetics/Laboratory Corporation of America, LabCorp); PubMed 20880116 (cited by Women's Health and Genetics/Laboratory Corporation of America, LabCorp); PubMed 23690417 (cited by Women's Health and Genetics/Laboratory Corporation of America, LabCorp); PubMed 22031865 (cited by Women's Health and Genetics/Laboratory Corporation of America, LabCorp); PubMed 25596267 (cited by Women's Health and Genetics/Laboratory Corporation of America, LabCorp); PubMed 22058207 (cited by Women's Health and Genetics/Laboratory Corporation of America, LabCorp); PubMed 24496303 (cited by Women's Health and Genetics/Laboratory Corporation of America, LabCorp); PubMed 21576631 (cited by Women's Health and Genetics/Laboratory Corporation of America, LabCorp); PubMed 24255920 (cited by Women's Health and Genetics/Laboratory Corporation of America, LabCorp); PubMed 27895058 (cited by Women's Health and Genetics/Laboratory Corporation of America, LabCorp); PubMed 27276561 (cited by Women's Health and Genetics/Laboratory Corporation of America, LabCorp); PubMed 27069254 (cited by Women's Health and Genetics/Laboratory Corporation of America, LabCorp).

NM_015338.6(ASXL1):c.1466G>A (p.Arg489Gln)

Gene: ASXL1 (ASXL transcriptional regulator 1; plus strand). Cytogenetic location: 20q11.21.
Variant type: single nucleotide variant.
Coding change: c.1466G>A on transcript NM_015338.6 (MANE Select); coding-DNA position 1466, G replaced by A.
Protein change: p.Arg489Gln; replaces arginine 489 with glutamine.
Molecular consequence: missense variant.
Genome position (GRCh38, 1-based): chr20:32,433,664, G>A. VCF-style: chr20-32433664-G-A. GRCh37 (hg19) VCF-style: chr20-31021467-G-A.
Other names: c.1283G>A, p.Arg428Gln (NM_001363734.1); short protein forms R428Q, R489Q.
Identifiers: ClinVar variation 3622747 (VCV003622747.3).
Genomic context (GRCh38, chr20:32,433,664, plus strand): 5'-CATCCTCTGCAGCACCCGACCTGGAGGGTCCCGAATTCCCAGTTGAGTCTGTGGCTTCTC[G>A]GATCCAGGCTGAGCCAGACAACTTGGCACGTGCCTCTGCATCTCCAGACAGAATTCCTAG-3'
Protein context (NP_056153.2, residues 479-499): PEFPVESVAS[Arg489Gln]IQAEPDNLAR